The following is an entry in ClinVar:

NM_025077.4(TOE1):c.665T>C (p.Phe222Ser)

Gene: TOE1 (target of EGR1, exonuclease; plus strand). Cytogenetic location: 1p34.1.
Variant type: single nucleotide variant.
Coding change: c.665T>C on transcript NM_025077.4 (MANE Select); coding-DNA position 665, T replaced by C.
Protein change: p.Phe222Ser; replaces phenylalanine 222 with serine.
Molecular consequence: missense variant.
Genome position (GRCh38, 1-based): chr1:45,342,556, T>C. VCF-style: chr1-45342556-T-C. GRCh37 (hg19) VCF-style: chr1-45808228-T-C.
Other names: short protein forms F222S.
Identifiers: ClinVar variation 4822571 (VCV004822571.4).

ClinVar aggregate classification (germline): Uncertain significance (1 of 4 stars; one submission).

gnomAD v4.1: 1 of 1,614,046 alleles (0.000062%); highest among the groups gnomAD compares: Non-Finnish European, 0.000085%; no homozygotes.

Submission:

CeGaT Center for Human Genetics Tuebingen
Classification: Uncertain significance. Last evaluated: 2026-02-01. Review status: criteria provided, single submitter. Criteria: CeGaT Center For Human Genetics Tuebingen Variant Classification Criteria Version 2. Collection method: clinical testing. Allele origin: germline. Affected: yes. Observed: 1 variant allele.
Comment: TOE1: PM2